The following is an entry in ClinVar:

NM_006294.5(UQCRB):c.20-8A>G

Gene: UQCRB (ubiquinol-cytochrome c reductase binding protein; minus strand). Cytogenetic location: 8q22.1.
Variant type: single nucleotide variant.
Coding change: c.20-8A>G on transcript NM_006294.5 (MANE Select); 8 bases into the intron before coding-DNA position 20, A replaced by G.
Molecular consequence: intron variant.
Genome position (GRCh38, 1-based): chr8:96,233,235, T>C on the plus strand (A>G on the coding strand, the complement: UQCRB is on the minus strand). VCF-style: chr8-96233235-T-C. GRCh37 (hg19) VCF-style: chr8-97245463-T-C.
Other names: c.20-8A>G (NM_001254752.2); c.-77-8A>G (NM_001199975.3).
Identifiers: ClinVar variation 2888178 (VCV002888178.4), dbSNP rs368610488, ClinGen allele CA4815987.

ClinVar aggregate classification (germline): Uncertain significance. Review status: criteria provided, multiple submitters, no conflicts (2 of 4 stars). 2 submissions from 2 submitters: Uncertain significance (2). Last evaluated 2025-09-03.

Allele frequency attached by ClinVar (database versions not stated): gnomAD exomes 0.00001; ESP Exome Variant Server 0.00015; ExAC 0.00001; TOPMed 0.00002; gnomAD 0.00003.
gnomAD v4.1: 23 of 1,613,342 alleles (0.0014%); highest among the groups gnomAD compares: African/African-American, 0.0027%; no homozygotes.

Submissions (2):

GeneDx
Classification: Uncertain significance. Last evaluated: 2025-09-03. Review status: criteria provided, single submitter. Criteria: GeneDx Variant Classification Process June 2021. Collection method: clinical testing. Allele origin: germline. Affected: yes.
Comment: Not observed at significant frequency in large population cohorts (gnomAD); In silico analysis supports a deleterious effect on splicing; Has not been previously published as pathogenic or benign to our knowledge

Labcorp Genetics (formerly Invitae), Labcorp
Classification: Uncertain significance. Last evaluated: 2025-08-18. Review status: criteria provided, single submitter. Criteria: Invitae Variant Classification Sherloc (09022015). Collection method: clinical testing. Allele origin: germline.
Comment: This sequence change falls in intron 1 of the UQCRB gene. It does not directly change the encoded amino acid sequence of the UQCRB protein. This variant is present in population databases (rs368610488, gnomAD 0.0009%). This variant has not been reported in the literature in individuals affected with UQCRB-related conditions. ClinVar contains an entry for this variant (Variation ID: 2888178). Algorithms developed to predict the effect of sequence changes on RNA splicing suggest that this variant may disrupt the consensus splice site. In summary, the available evidence is currently insufficient to determine the role of this variant in disease. Therefore, it has been classified as a Variant of Uncertain Significance.